The following is an entry in ClinVar:

NM_006297.3(XRCC1):c.1804C>A (p.Pro602Thr)

Gene: XRCC1 (X-ray repair cross complementing 1; minus strand). Cytogenetic location: 19q13.31.
Variant type: single nucleotide variant.
Coding change: c.1804C>A on transcript NM_006297.3 (MANE Select); coding-DNA position 1804, C replaced by A.
Protein change: p.Pro602Thr; replaces proline 602 with threonine.
Molecular consequence: missense variant.
Genome position (GRCh38, 1-based): chr19:43,543,490, G>T on the plus strand (C>A on the coding strand, the complement: XRCC1 is on the minus strand). VCF-style: chr19-43543490-G-T. GRCh37 (hg19) VCF-style: chr19-44047642-G-T.
Other names: short protein forms P602T.
Identifiers: ClinVar variation 4872270 (VCV004872270.2).

ClinVar aggregate classification (germline): Uncertain significance (1 of 4 stars; one submission).

gnomAD v4.1: 7 of 1,613,784 alleles (0.00043%); highest among the groups gnomAD compares: Non-Finnish European, 0.00059%; no homozygotes.

Submission:

CeGaT Center for Human Genetics Tuebingen
Classification: Uncertain significance. Last evaluated: 2026-06-01. Review status: criteria provided, single submitter. Criteria: CeGaT Center For Human Genetics Tuebingen Variant Classification Criteria Version 2. Collection method: clinical testing. Allele origin: germline. Affected: yes. Observed: 1 variant allele.
Comment: XRCC1: PM2